The following is an entry in ClinVar:

NM_001127464.1:c.9404T>A

Gene: ZNF469 (zinc finger protein 469; plus strand).
Variant type: single nucleotide variant.
Identifiers: ClinVar variation 4845001 (VCV004845001.1).

ClinVar aggregate classification (germline): Uncertain significance (1 of 4 stars; one submission).

Conditions:
Cardiovascular phenotype. Identifiers: MedGen CN230736.

Submission:

Ambry Genetics
Classification: Uncertain significance for Cardiovascular phenotype. Last evaluated: 2026-01-17. Review status: criteria provided, single submitter. Criteria: Ambry Variant Classification Scheme 2023. Collection method: clinical testing. Allele origin: germline.
Comment: The p.L3135Q variant (also known as c.9404T>A), located in coding exon 2 of the ZNF469 gene, results from a T to A substitution at nucleotide position 9404. The leucine at codon 3135 is replaced by glutamine, an amino acid with dissimilar properties. This amino acid position is conserved. In addition, this alteration is predicted to be tolerated by in silico analysis. Based on the available evidence, the clinical significance of this variant remains unclear.